The following is an entry in ClinVar:

NM_138694.4(PKHD1):c.2027C>G (p.Pro676Arg)

Gene: PKHD1 (PKHD1 ciliary IPT domain containing fibrocystin/polyductin; minus strand). Cytogenetic location: 6p12.2.
Variant type: single nucleotide variant.
Coding change: c.2027C>G on transcript NM_138694.4 (MANE Select); coding-DNA position 2027, C replaced by G.
Protein change: p.Pro676Arg; replaces proline 676 with arginine.
Molecular consequence: missense variant.
Genome position (GRCh38, 1-based): chr6:52,053,189, G>C on the plus strand (C>G on the coding strand, the complement: PKHD1 is on the minus strand). VCF-style: chr6-52053189-G-C. GRCh37 (hg19) VCF-style: chr6-51917987-G-C.
Other names: c.2027C>G, p.Pro676Arg (NM_170724.3); short protein forms P676R.
Identifiers: ClinVar variation 96383 (VCV000096383.52), dbSNP rs115045643, ClinGen allele CA149496.
Genomic context (GRCh38, chr6:52,053,189, plus strand): 5'-TCCTGGGCCAGAGGGAGAAGGTTGATCTGATGAACCAGCACTGGGGAGTTTGCCGGAGGG[G>C]GCTGGAGATCCCCGAAGCAACGCACACAAGTCTCCCAGAGGTCAGTGCAATCGAACTGCC-3'
Protein context (NP_619639.3, residues 666-686): TCVRCFGDLQ[Pro676Arg]PPANSPVLVH

ClinVar aggregate classification (germline): Benign/Likely benign. Review status: criteria provided, multiple submitters, no conflicts (2 of 4 stars). 16 submissions from 16 submitters: Benign (6); Likely benign (7). 3 of the submissions do not count toward it. Last evaluated 2026-09-01.

Conditions:
Polycystic kidney disease 4 (PKD4). Also called: POLYCYSTIC KIDNEY AND HEPATIC DISEASE 1; POLYCYSTIC KIDNEY DISEASE, INFANTILE, TYPE I; POLYCYSTIC KIDNEY DISEASE 4 WITH OR WITHOUT POLYCYSTIC LIVER DISEASE; Autosomal Recessive Polycystic Kidney Disease – PKHD1; PKD3. Identifiers: MedGen C4540575, MONDO:0033004, OMIM 263200.
Autosomal recessive polycystic kidney disease (ARPKD). Also called: AR polycystic kidney disease. Identifiers: Orphanet 731, Orphanet 8378, MedGen C0085548, MeSH D017044, MONDO:0009889.

Allele frequency attached by ClinVar (database versions not stated): TOPMed 0.00689; ExAC 0.00220; ESP Exome Variant Server 0.00684; gnomAD 0.00681; 1000 Genomes Project 0.00799; 1000 Genomes Project 30x 0.00874.
gnomAD v4.1: 2,055 of 1,614,190 alleles (0.13%); highest among the groups gnomAD compares: African/African-American, 2.3%; 27 homozygotes.

Submissions (16):

CeGaT Center for Human Genetics Tuebingen
Classification: Likely benign. Last evaluated: 2026-09-01. Review status: criteria provided, single submitter. Criteria: CeGaT Center For Human Genetics Tuebingen Variant Classification Criteria Version 2. Collection method: clinical testing. Allele origin: germline. Affected: yes. Observed: 6 variant alleles.
Comment: PKHD1: BP4

Labcorp Genetics (formerly Invitae), Labcorp
Classification: Benign for Autosomal recessive polycystic kidney disease. Last evaluated: 2026-01-28. Review status: criteria provided, single submitter. Criteria: Invitae Variant Classification Sherloc (09022015). Collection method: clinical testing. Allele origin: germline.

Genomic Medicine Center of Excellence, King Faisal Specialist Hospital and Research Centre
Classification: Likely benign. Last evaluated: 2025-08-18. Review status: criteria provided, single submitter. Criteria: ACMG Guidelines, 2015. Collection method: clinical testing. Allele origin: germline.

Mayo Clinic Laboratories, Mayo Clinic
Classification: Benign. Last evaluated: 2024-10-23. Review status: criteria provided, single submitter. Criteria: ACMG Guidelines, 2015. Collection method: clinical testing. Allele origin: germline. Observed: 7 variant alleles.
Comment: BA1, BP4

Fulgent Genetics
Classification: Likely benign for Polycystic kidney disease 4. Last evaluated: 2022-04-06. Review status: criteria provided, single submitter. Criteria: ACMG Guidelines, 2015. Collection method: clinical testing. Allele origin: unknown.

GeneDx
Classification: Benign. Last evaluated: 2020-04-01. Review status: criteria provided, single submitter. Criteria: GeneDx Variant Classification Process June 2021. Collection method: clinical testing. Allele origin: germline. Affected: yes.
Comment: This variant is associated with the following publications: (PMID: 20981092, 21228398, 15698423, 27884173)

Mendelics
Classification: Benign for Polycystic kidney disease 4. Last evaluated: 2019-05-28. Review status: criteria provided, single submitter. Criteria: Mendelics Assertion Criteria 2017. Collection method: clinical testing. Allele origin: unknown.

Illumina Laboratory Services, Illumina
Classification: Likely benign for Polycystic kidney disease 4. Last evaluated: 2017-04-28. Review status: criteria provided, single submitter. Criteria: ICSL Variant Classification Criteria 13 December 2019. Collection method: clinical testing. Allele origin: germline.
Comment: This variant was observed as part of a predisposition screen in an ostensibly healthy population. A literature search was performed for the gene, cDNA change, and amino acid change (where applicable). Publications were found based on this search. The evidence from the literature, in combination with allele frequency data from public databases where available, was sufficient to determine this variant is unlikely to cause disease. Therefore, this variant is classified as likely benign.

Women's Health and Genetics/Laboratory Corporation of America, LabCorp
Classification: Likely benign. Last evaluated: 2016-04-26. Review status: criteria provided, single submitter. Criteria: LabCorp Variant Classification Summary - May 2015. Collection method: clinical testing. Allele origin: germline.
Comment: Variant summary: Variant affects a non-conserved nucleotide a results in a replacement of a medium size and hydrophobic Proline (P) with a large size and basic Arginine (R). in silico tools predict the variant to be normal; however these predictions have yet to be confirmed by functional studies. The variant was observed predominantly in the African subcohorts of the ExAC project at an allele frequency of 2.3% (including 3 homozygotes) which exceeds ~3 times the maximal expected allele frequency of a disease causing PKHD1 allele (0.7%) indicating the variant to be in the neutral spectrum. The variant was reported in two autosomal-recessive polycystic kidney disease patients in compound heterozygosity with a potentially pathogenic PKHD1 variant. Clinical laboratories classify variant as Benign/Likely benign via ClinVar (without evidence to independently evaluate). Considering all evidence, the variant was classified as Likely Benign.

Center for Pediatric Genomic Medicine, Children's Mercy Hospital and Clinics
Classification: Likely benign. Last evaluated: 2015-10-29. Review status: criteria provided, single submitter. Criteria: ACMG Guidelines, 2015. Collection method: clinical testing. Allele origin: germline.
ClinVar note: Converted during submission from Likely Benign to Likely benign.

Eurofins Ntd Llc (ga)
Classification: Benign. Last evaluated: 2013-04-15. Review status: criteria provided, single submitter. Criteria: EGL Classification Definitions 2015. Collection method: clinical testing. Allele origin: germline. Observed: 2 variant alleles, 2 heterozygotes.

Breakthrough Genomics
Classification: Likely benign. Review status: criteria provided, single submitter. Criteria: ACMG Guidelines, 2015. Collection method: not provided. Allele origin: germline. Inheritance: Autosomal recessive inheritance. Affected: yes.

PreventionGenetics, part of Exact Sciences
Classification: Benign. Review status: criteria provided, single submitter. Criteria: ACMG Guidelines, 2015. Collection method: clinical testing. Allele origin: germline.

Genetic Services Laboratory, University of Chicago
Classification: Benign. Last evaluated: 2022-08-26. Review status: no assertion criteria provided. Collection method: clinical testing. Allele origin: germline. Affected: no. Not counted in ClinVar's aggregate classification.

Natera, Inc.
Classification: Benign for Autosomal recessive polycystic kidney disease. Last evaluated: 2017-06-30. Review status: no assertion criteria provided. Collection method: clinical testing. Allele origin: germline. Not counted in ClinVar's aggregate classification.

Counsyl
Classification: Likely benign for Polycystic kidney disease, infantile type. Last evaluated: 2014-03-27. Review status: no assertion criteria provided. Collection method: literature only. Allele origin: unknown. Inheritance: Autosomal recessive inheritance. Not counted in ClinVar's aggregate classification.

Literature cited by the submitters: PubMed 15698423 (cited by 4 submitters); PubMed 24984783 (cited by Women's Health and Genetics/Laboratory Corporation of America, LabCorp); PubMed 21228398 (cited by Women's Health and Genetics/Laboratory Corporation of America, LabCorp and Counsyl).